The following is an entry in ClinVar:

NM_183381.3(RNF13):c.651A>T (p.Arg217Ser)

Gene: RNF13 (ring finger protein 13; plus strand). Cytogenetic location: 3q25.1.
Variant type: single nucleotide variant.
Coding change: c.651A>T on transcript NM_183381.3 (MANE Select); coding-DNA position 651, A replaced by T.
Protein change: p.Arg217Ser; replaces arginine 217 with serine.
Molecular consequence: missense variant. On other transcripts: non-coding transcript variant (1).
Genome position (GRCh38, 1-based): chr3:149,921,178, A>T. VCF-style: chr3-149921178-A-T. GRCh37 (hg19) VCF-style: chr3-149638965-A-T.
Other names: c.651A>T, p.Arg217Ser (NM_001378285.1, NM_001378286.1, NM_007282.4); c.294A>T, p.Arg98Ser (NM_001378287.1, NM_001378288.1, NM_001378289.1 and 2 more transcripts); c.258A>T, p.Arg86Ser (NM_001378291.1); short protein forms R217S, R86S, R98S.
Identifiers: ClinVar variation 3377055 (VCV003377055.1).

ClinVar aggregate classification (germline): Uncertain significance (1 of 4 stars; one submission).

Conditions:
Developmental and epileptic encephalopathy, 73. Also called: Rnf13-related severe early-onset epileptic encephalopathy; EPILEPTIC ENCEPHALOPATHY, EARLY INFANTILE, 73. Identifiers: Orphanet 544503, MedGen C5193065, MONDO:0034106, OMIM 618379.

Submission:

Victorian Clinical Genetics Services, Murdoch Childrens Research Institute
Classification: Uncertain significance for Developmental and epileptic encephalopathy, 73. Last evaluated: 2024-10-10. Review status: criteria provided, single submitter. Criteria: ACMG Guidelines, 2015. Collection method: clinical testing. Allele origin: germline. Inheritance: Autosomal dominant inheritance. Affected: yes.
Comment: Based on the classification scheme VCGS_Germline_v1.3.5, this variant is classified as VUS-3A. Following criteria are met: 0101 - Gain of function is a known mechanism of disease in this gene and is associated with developmental and epileptic encephalopathy 73 (MIM#618379) (PMID: 30595371). (I) 0107 - This gene is associated with autosomal dominant disease. (I) 0200 - Variant is predicted to result in a missense amino acid change from arginine to serine. (I) 0251 - This variant is heterozygous. (I) 0301 - Variant is absent from gnomAD (v2, v3 and v4). (SP) 0309 - An alternative amino acid change at the same position has been observed in gnomAD (v4; 1 heterozygote, 0 homozygotes). (I) 0501 - Missense variant consistently predicted to be damaging by multiple in silico tools or highly conserved with a major amino acid change. (SP) 0604 - Variant is not located in an established domain, motif, hotspot or informative constraint region. (I) 0705 - No comparable missense variants have previous evidence for pathogenicity. (I) 0807 - This variant has no previous evidence of pathogenicity. (I) 0905 - No published segregation evidence has been identified for this variant. (I) 1007 - No published functional evidence has been identified for this variant. (SP) Legend: (SP) - Supporting pathogenic, (I) - Information, (SB) - Supporting benign

Literature cited by the submitters: PubMed 30595371.